The following is an entry in ClinVar:

NM_018249.6(CDK5RAP2):c.1093-14G>A

Gene: CDK5RAP2 (CDK5 regulatory subunit associated protein 2; minus strand). Cytogenetic location: 9q33.2.
Variant type: single nucleotide variant.
Coding change: c.1093-14G>A on transcript NM_018249.6 (MANE Select); 14 bases into the intron before coding-DNA position 1093, G replaced by A.
Molecular consequence: intron variant.
Genome position (GRCh38, 1-based): chr9:120,518,659, C>T on the plus strand (G>A on the coding strand, the complement: CDK5RAP2 is on the minus strand). VCF-style: chr9-120518659-C-T. GRCh37 (hg19) VCF-style: chr9-123280937-C-T.
Other names: c.1093-14G>A (NM_001272039.2, NM_001011649.3).
Identifiers: ClinVar variation 136708 (VCV000136708.18), dbSNP rs75029577, ClinGen allele CA171557.
Genomic context (GRCh38, chr9:120,518,659, plus strand): 5'-GAAAGGGCTTCCTTTCCTGATAGAGCAGTCTCATAGTCTTCAGACCCCTAGAAGAGAAGG[C>T]AGAGAAGCAAGATGAGCTAATTTTCATACCTCATGAAACAAACCAAGAAACCTGGGCTCT-3'

ClinVar aggregate classification (germline): Benign/Likely benign. Review status: criteria provided, multiple submitters, no conflicts (2 of 4 stars). 5 submissions from 5 submitters: Benign (4); Likely benign (1). Last evaluated 2026-02-01.

Allele frequency attached by ClinVar (database versions not stated): 1000 Genomes Project 0.01298; 1000 Genomes Project 30x 0.01437; TOPMed 0.01665; gnomAD 0.02129 and 0.02140; ExAC 0.02357; gnomAD exomes 0.02379 and 0.02854; ESP Exome Variant Server 0.02384.
gnomAD v4.1: 44,583 of 1,608,532 alleles (2.8%); highest among the groups gnomAD compares: Non-Finnish European, 3%; 733 homozygotes.

Submissions (5):

Labcorp Genetics (formerly Invitae), Labcorp
Classification: Benign. Last evaluated: 2026-02-01. Review status: criteria provided, single submitter. Criteria: Invitae Variant Classification Sherloc (09022015). Collection method: clinical testing. Allele origin: germline.

Blueprint Genetics
Classification: Benign. Last evaluated: 2024-11-27. Review status: criteria provided, single submitter. Criteria: ACMG Guidelines, 2015. Collection method: clinical testing. Allele origin: germline.

GeneDx
Classification: Benign. Last evaluated: 2013-12-18. Review status: criteria provided, single submitter. Criteria: GeneDx Variant Classification (06012015). Collection method: clinical testing. Allele origin: germline. Affected: yes.
Comment: This variant is considered likely benign or benign based on one or more of the following criteria: it is a conservative change, it occurs at a poorly conserved position in the protein, it is predicted to be benign by multiple in silico algorithms, and/or has population frequency not consistent with disease.

Genetic Services Laboratory, University of Chicago
Classification: Benign. Last evaluated: 2013-02-08. Review status: criteria provided, single submitter. Criteria: ACMG Guidelines, 2007. Collection method: clinical testing. Allele origin: germline. Inheritance: Autosomal recessive inheritance.

Breakthrough Genomics
Classification: Likely benign. Review status: criteria provided, single submitter. Criteria: ACMG Guidelines, 2015. Collection method: not provided. Allele origin: germline. Inheritance: Autosomal recessive inheritance. Affected: yes.